The following is an entry in ClinVar:

NM_001301043.2(CADM1):c.750T>G (p.Thr250=)

Gene: CADM1 (cell adhesion molecule 1; minus strand). Cytogenetic location: 11q23.3.
Variant type: single nucleotide variant.
Coding change: c.750T>G on transcript NM_001301043.2 (MANE Select); coding-DNA position 750, T replaced by G.
Protein change: p.Thr250=; no amino-acid change (threonine 250 retained).
Molecular consequence: synonymous variant.
Genome position (GRCh38, 1-based): chr11:115,217,963, A>C on the plus strand (T>G on the coding strand, the complement: CADM1 is on the minus strand). VCF-style: chr11-115217963-A-C. GRCh37 (hg19) VCF-style: chr11-115088683-A-C.
Other names: c.750T>G, p.Thr250= (NM_001098517.2, NM_001301044.2, NM_001301045.2 and 1 more transcripts).
Identifiers: ClinVar variation 2642395 (VCV002642395.24), dbSNP rs145894931, ClinGen allele CA6287629.
Genomic context (GRCh38, chr11:115,217,963, plus strand): 5'-GATGGCTTCACATGTTAACTCAAGCGCGTCCCCTTCCCGGGTTAAGCCTTGTAGAGGATA[A>C]GTCATCTGAATGTGCACTTGAGGCTTATCTGTGTGACAAAAACACAAAGTATAATGTTTA-3'
Protein context (NP_001287972.1, residues 240-260): QYKPQVHIQM[Thr250=]YPLQGLTREG

ClinVar aggregate classification (germline): Likely benign (1 of 4 stars; one submission).

Allele frequency attached by ClinVar (database versions not stated): ESP Exome Variant Server 0.00023; gnomAD exomes 0.00038; gnomAD 0.00051; TOPMed 0.00063; ExAC 0.00098; 1000 Genomes Project 0.00140; 1000 Genomes Project 30x 0.00141.
gnomAD v4.1: 655 of 1,613,424 alleles (0.041%); highest among the groups gnomAD compares: East Asian, 0.52%; 2 homozygotes.

Submission:

CeGaT Center for Human Genetics Tuebingen
Classification: Likely benign. Last evaluated: 2023-03-01. Review status: criteria provided, single submitter. Criteria: CeGaT Center For Human Genetics Tuebingen Variant Classification Criteria Version 2. Collection method: clinical testing. Allele origin: germline. Affected: yes. Observed: 1 variant allele.
Comment: CADM1: BP4, BP7